The following is an entry in ClinVar:

ClinVar aggregate classification (germline): Uncertain significance (1 of 4 stars; one submission).

Conditions:
Hereditary breast ovarian cancer syndrome. Also called: Hereditary breast and ovarian cancer syndrome (HBOC); Hereditary breast and ovarian cancer; Breast and ovarian cancer; Hereditary breast and/or ovarian cancer syndrome; BRCA1- and BRCA2-Associated Hereditary Breast and Ovarian Cancer; Hereditary breast and ovarian cancer syndrome. Identifiers: Orphanet 145, MedGen C0677776, MeSH D061325, MONDO:0003582. Disease mechanism: loss of function.

Submission:

Labcorp Genetics (formerly Invitae), Labcorp
Classification: Uncertain significance for Hereditary breast ovarian cancer syndrome. Last evaluated: 2026-01-19. Review status: criteria provided, single submitter. Criteria: Invitae Variant Classification Sherloc (09022015). Collection method: clinical testing. Allele origin: germline.
Comment: This sequence change replaces serine, which is neutral and polar, with proline, which is neutral and non-polar, at codon 1955 of the BRCA2 protein (p.Ser1955Pro). This variant is not present in population databases (gnomAD no frequency). This variant has not been reported in the literature in individuals affected with BRCA2-related conditions. Invitae Evidence Modeling of protein sequence and biophysical properties (such as structural, functional, and spatial information, amino acid conservation, physicochemical variation, residue mobility, and thermodynamic stability) indicates that this missense variant is not expected to disrupt BRCA2 protein function with a negative predictive value of 95%. In summary, the available evidence is currently insufficient to determine the role of this variant in disease. Therefore, it has been classified as a Variant of Uncertain Significance.

NM_000059.4(BRCA2):c.5863T>C (p.Ser1955Pro)

Gene: BRCA2 (BRCA2 DNA repair associated; plus strand). Cytogenetic location: 13q13.1.
Variant type: single nucleotide variant.
Coding change: c.5863T>C on transcript NM_000059.4 (MANE Select); coding-DNA position 5863, T replaced by C.
Protein change: p.Ser1955Pro; replaces serine 1955 with proline.
Molecular consequence: missense variant. On other transcripts: intron variant (2), non-coding transcript variant (1).
Genome position (GRCh38, 1-based): chr13:32,340,218, T>C. VCF-style: chr13-32340218-T-C. GRCh37 (hg19) VCF-style: chr13-32914355-T-C.
Other names: c.425-4340T>C (NM_001406722.1); c.5863T>C, p.Ser1955Pro (NM_001406719.1, NM_001406720.1, NM_001432077.1); c.1910-4340T>C (NM_001406721.1); short protein forms S1955P.
Identifiers: ClinVar variation 4802317 (VCV004802317.1).